The following is an entry in ClinVar:

NM_058216.3(RAD51C):c.404+10dup

Gene: RAD51C (RAD51 paralog C; plus strand). Cytogenetic location: 17q22.
Variant type: Duplication.
Coding change: c.404+10dup on transcript NM_058216.3 (MANE Select); 10 bases into the intron after coding-DNA position 404, one base duplicated (A; older notation c.404+10dupA).
Molecular consequence: intron variant. On other transcripts: 3 prime UTR variant (1), non-coding transcript variant (1).
Genome position (GRCh38, 1-based): chr17:58,695,199, A duplicated; the last of 3 consecutive A bases (chr17:58,695,197-58,695,199); duplicating any one gives the same sequence. VCF-style (leftmost placement, unchanged base first): chr17-58695196-T-TA. GRCh37 (hg19) VCF-style: chr17-56772557-T-TA.
Other names: c.*6dup (NM_002876.4).
Identifiers: ClinVar variation 3904620 (VCV003904620.1).

ClinVar aggregate classification (germline): Benign (1 of 4 stars; one submission).

Conditions:
Breast-ovarian cancer, familial, susceptibility to, 3. Also called: RAD51C-Related Breast/Ovarian Cancer. Identifiers: Orphanet 145, MedGen C3150659, MONDO:0013253, OMIM 613399.

Submission:

Myriad Genetics, Inc.
Classification: Benign for Breast-ovarian cancer, familial, susceptibility to, 3. Last evaluated: 2025-02-18. Review status: criteria provided, single submitter. Criteria: Myriad Autosomal Dominant, Autosomal Recessive and X-Linked Classification Criteria (2023). Collection method: clinical testing. Allele origin: unknown.
Comment: This variant is considered benign. This variant is intronic and is not expected to impact mRNA splicing.